The following is an entry in ClinVar:

ClinVar aggregate classification (germline): Benign (1 of 4 stars; one submission).

Allele frequency attached by ClinVar (database versions not stated): 1000 Genomes Project 0.49561; gnomAD 0.48605 and 0.49474; 1000 Genomes Project 30x 0.49375; TOPMed 0.48368.
gnomAD v4.1: 75,342 of 151,970 alleles (50%); highest among the groups gnomAD compares: South Asian, 68%; 20,462 homozygotes.

Submission:

GeneDx
Classification: Benign. Last evaluated: 2018-06-19. Review status: criteria provided, single submitter. Criteria: GeneDx Variant Classification (06012015). Collection method: clinical testing. Allele origin: germline. Affected: yes.
Comment: This variant is considered likely benign or benign based on one or more of the following criteria: it is a conservative change, it occurs at a poorly conserved position in the protein, it is predicted to be benign by multiple in silico algorithms, and/or has population frequency not consistent with disease.

NM_021625.5(TRPV4):c.2209-280T>G

Gene: TRPV4 (transient receptor potential cation channel subfamily V member 4; minus strand). Cytogenetic location: 12q24.11.
Variant type: single nucleotide variant.
Coding change: c.2209-280T>G on transcript NM_021625.5 (MANE Select); 280 bases into the intron before coding-DNA position 2209, T replaced by G.
Molecular consequence: intron variant.
Genome position (GRCh38, 1-based): chr12:109,787,117, A>C on the plus strand (T>G on the coding strand, the complement: TRPV4 is on the minus strand). VCF-style: chr12-109787117-A-C. GRCh37 (hg19) VCF-style: chr12-110224922-A-C.
Other names: c.1888-280T>G (NM_001177433.1); c.2068-280T>G (NM_001177428.1); c.2029-280T>G (NM_147204.2); c.2107-280T>G (NM_001177431.1).
Identifiers: ClinVar variation 667567 (VCV000667567.1), dbSNP rs1861810, ClinGen allele CA13713662.
Genomic context (GRCh38, chr12:109,787,117, plus strand): 5'-CAAGCCCTATCACACTTACACAGCAGTTGCCTCTCAGTGAGGGAGGGGTAGAGACTGGGG[A>C]GAACAGGGAGCAAATGCCCACGTGTAAGGGGGCAGCTGCCACTCACCCCACCTGAGGGCT-3'